The following is an entry in ClinVar:

ClinVar aggregate classification (germline): Uncertain significance (1 of 4 stars; one submission).

Submission:

Labcorp Genetics (formerly Invitae), Labcorp
Classification: Uncertain significance. Last evaluated: 2025-07-27. Review status: criteria provided, single submitter. Criteria: Invitae Variant Classification Sherloc (09022015). Collection method: clinical testing. Allele origin: germline.
Comment: This sequence change replaces tryptophan, which is neutral and slightly polar, with cysteine, which is neutral and slightly polar, at codon 1246 of the GPR179 protein (p.Trp1246Cys). This variant is not present in population databases (gnomAD no frequency). This variant has not been reported in the literature in individuals affected with GPR179-related conditions. An algorithm developed to predict the effect of missense changes on protein structure and function (PolyPhen-2) suggests that this variant is likely to be disruptive. In summary, the available evidence is currently insufficient to determine the role of this variant in disease. Therefore, it has been classified as a Variant of Uncertain Significance.

NM_001004334.4(GPR179):c.3738G>C (p.Trp1246Cys)

Gene: GPR179 (G protein-coupled receptor 179; minus strand). Cytogenetic location: 17q12.
Variant type: single nucleotide variant.
Coding change: c.3738G>C on transcript NM_001004334.4 (MANE Select); coding-DNA position 3738, G replaced by C.
Protein change: p.Trp1246Cys; replaces tryptophan 1246 with cysteine.
Molecular consequence: missense variant.
Genome position (GRCh38, 1-based): chr17:38,329,831, C>G on the plus strand (G>C on the coding strand, the complement: GPR179 is on the minus strand). VCF-style: chr17-38329831-C-G. GRCh37 (hg19) VCF-style: chr17-36485714-C-G.
Other names: short protein forms W1246C.
Identifiers: ClinVar variation 4763265 (VCV004763265.1).